The following is an entry in ClinVar:

NM_033026.6(PCLO):c.6215A>C (p.Gln2072Pro)

Gene: PCLO (piccolo presynaptic cytomatrix protein; minus strand). Cytogenetic location: 7q21.11.
Variant type: single nucleotide variant.
Coding change: c.6215A>C on transcript NM_033026.6 (MANE Select); coding-DNA position 6215, A replaced by C.
Protein change: p.Gln2072Pro; replaces glutamine 2072 with proline.
Molecular consequence: missense variant.
Genome position (GRCh38, 1-based): chr7:82,954,738, T>G on the plus strand (A>C on the coding strand, the complement: PCLO is on the minus strand). VCF-style: chr7-82954738-T-G. GRCh37 (hg19) VCF-style: chr7-82584054-T-G.
Other names: c.6215A>C, p.Gln2072Pro (NM_014510.3); short protein forms Q2072P.
Identifiers: ClinVar variation 1466756 (VCV001466756.8), dbSNP rs1283176795, ClinGen allele CA367920250.

ClinVar aggregate classification (germline): Uncertain significance (1 of 4 stars; one submission).

Allele frequency attached by ClinVar (database versions not stated): TOPMed below 0.00001.

Submission:

Labcorp Genetics (formerly Invitae), Labcorp
Classification: Uncertain significance. Last evaluated: 2024-10-15. Review status: criteria provided, single submitter. Criteria: Invitae Variant Classification Sherloc (09022015). Collection method: clinical testing. Allele origin: germline.
Comment: This sequence change replaces glutamine, which is neutral and polar, with proline, which is neutral and non-polar, at codon 2072 of the PCLO protein (p.Gln2072Pro). This variant is not present in population databases (gnomAD no frequency). This variant has not been reported in the literature in individuals affected with PCLO-related conditions. ClinVar contains an entry for this variant (Variation ID: 1466756). Experimental studies and prediction algorithms are not available or were not evaluated, and the functional significance of this variant is currently unknown. In summary, the available evidence is currently insufficient to determine the role of this variant in disease. Therefore, it has been classified as a Variant of Uncertain Significance.